The following is an entry in ClinVar:

NM_000064.4(C3):c.1462C>T (p.Arg488Cys)

Gene: C3 (complement C3; minus strand). Cytogenetic location: 19p13.3.
Variant type: single nucleotide variant.
Coding change: c.1462C>T on transcript NM_000064.4 (MANE Select); coding-DNA position 1462, C replaced by T.
Protein change: p.Arg488Cys; replaces arginine 488 with cysteine.
Molecular consequence: missense variant.
Genome position (GRCh38, 1-based): chr19:6,711,004, G>A on the plus strand (C>T on the coding strand, the complement: C3 is on the minus strand). VCF-style: chr19-6711004-G-A. GRCh37 (hg19) VCF-style: chr19-6711015-G-A.
Other names: short protein forms R488C.
Identifiers: ClinVar variation 3584165 (VCV003584165.3).

ClinVar aggregate classification (germline): Uncertain significance. Review status: criteria provided, multiple submitters, no conflicts (2 of 4 stars). 2 submissions from 2 submitters: Uncertain significance (2). Last evaluated 2025-12-14.

Conditions:
Atypical hemolytic-uremic syndrome with C3 anomaly. Also called: AHUS, SUSCEPTIBILITY TO, 5. Identifiers: Orphanet 2134, MedGen C2752037, MONDO:0013043, OMIM 612925.
Age related macular degeneration 9. Identifiers: MedGen C1969651, MONDO:0012659, OMIM 611378.
Complement component 3 deficiency. Identifiers: Orphanet 280133, MedGen C3151071, MONDO:0013417, OMIM 613779.

gnomAD v4.1: 57 of 1,613,964 alleles (0.0035%); highest among the groups gnomAD compares: Middle Eastern, 0.016%; no homozygotes.

Submissions (2):

Labcorp Genetics (formerly Invitae), Labcorp
Classification: Uncertain significance. Last evaluated: 2025-12-14. Review status: criteria provided, single submitter. Criteria: Invitae Variant Classification Sherloc (09022015). Collection method: clinical testing. Allele origin: germline.
Comment: This sequence change replaces arginine, which is basic and polar, with cysteine, which is neutral and slightly polar, at codon 488 of the C3 protein (p.Arg488Cys). This variant is present in population databases (rs768129380, gnomAD 0.01%). This variant has not been reported in the literature in individuals affected with C3-related conditions. ClinVar contains an entry for this variant (Variation ID: 3584165). Invitae Evidence Modeling of protein sequence and biophysical properties (such as structural, functional, and spatial information, amino acid conservation, physicochemical variation, residue mobility, and thermodynamic stability) indicates that this missense variant is not expected to disrupt C3 protein function with a negative predictive value of 80%. In summary, the available evidence is currently insufficient to determine the role of this variant in disease. Therefore, it has been classified as a Variant of Uncertain Significance.

Fulgent Genetics
Classification: Uncertain significance for Age related macular degeneration 9; Atypical hemolytic-uremic syndrome with C3 anomaly; Complement component 3 deficiency. Last evaluated: 2024-06-24. Review status: criteria provided, single submitter. Criteria: ACMG Guidelines, 2015. Collection method: clinical testing. Allele origin: germline.